The following is an entry in ClinVar:

NM_000038.6(APC):c.7193C>G (p.Ser2398Cys)

Gene: APC (APC regulator of Wnt signaling pathway; plus strand). Cytogenetic location: 5q22.2.
Variant type: single nucleotide variant.
Coding change: c.7193C>G on transcript NM_000038.6 (MANE Select); coding-DNA position 7193, C replaced by G.
Protein change: p.Ser2398Cys; replaces serine 2398 with cysteine.
Molecular consequence: missense variant.
Genome position (GRCh38, 1-based): chr5:112,842,787, C>G. VCF-style: chr5-112842787-C-G. GRCh37 (hg19) VCF-style: chr5-112178484-C-G.
Other names: c.7193C>G, p.Ser2398Cys (NM_001127510.3, NM_001354895.2); c.7139C>G, p.Ser2380Cys (NM_001127511.3); c.7247C>G, p.Ser2416Cys (NM_001354896.2); c.7223C>G, p.Ser2408Cys (NM_001354897.2); c.7118C>G, p.Ser2373Cys (NM_001354898.2); c.7109C>G, p.Ser2370Cys (NM_001354899.2); c.7070C>G, p.Ser2357Cys (NM_001354900.2); c.7016C>G, p.Ser2339Cys (NM_001354901.2); and 6 more; short protein forms S2115C, S2238C, S2307C, S2398C, S2408C, S2416C, S2272C, S2297C.
Identifiers: ClinVar variation 1500713 (VCV001500713.9), dbSNP rs150882838, ClinGen allele CA16036998.

ClinVar aggregate classification (germline): Uncertain significance. Review status: criteria provided, multiple submitters, no conflicts (2 of 4 stars). 2 submissions from 2 submitters: Uncertain significance (2). Last evaluated 2023-11-08.

Conditions:
Hereditary cancer-predisposing syndrome. Also called: Tumor predisposition; Hereditary neoplastic syndrome; Neoplastic Syndromes, Hereditary; Hereditary Cancer Syndrome. Identifiers: Orphanet 140162, MedGen C0027672, MeSH D009386, MONDO:0015356.
Familial adenomatous polyposis 1 (FAP1). Also called: FAMILIAL ADENOMATOUS POLYPOSIS 1, ATTENUATED; POLYPOSIS, ADENOMATOUS INTESTINAL. Identifiers: MedGen C2713442, MONDO:0021056, OMIM 175100. Disease mechanism: loss of function.

Submissions (2):

Ambry Genetics
Classification: Uncertain significance for Hereditary cancer-predisposing syndrome. Last evaluated: 2023-11-08. Review status: criteria provided, single submitter. Criteria: Ambry Variant Classification Scheme 2023. Collection method: clinical testing. Allele origin: germline.
Comment: The p.S2398C variant (also known as c.7193C>G), located in coding exon 15 of the APC gene, results from a C to G substitution at nucleotide position 7193. The serine at codon 2398 is replaced by cysteine, an amino acid with dissimilar properties. This amino acid position is conserved. In addition, in silico predictors for this gene do not accurately predict pathogenicity. Since supporting evidence is limited at this time, the clinical significance of this alteration remains unclear.

Labcorp Genetics (formerly Invitae), Labcorp
Classification: Uncertain significance for Familial adenomatous polyposis 1. Last evaluated: 2021-01-07. Review status: criteria provided, single submitter. Criteria: Invitae Variant Classification Sherloc (09022015). Collection method: clinical testing. Allele origin: germline.
Comment: In summary, the available evidence is currently insufficient to determine the role of this variant in disease. Therefore, it has been classified as a Variant of Uncertain Significance. Algorithms developed to predict the effect of missense changes on protein structure and function are either unavailable or do not agree on the potential impact of this missense change (SIFT: "Deleterious"; PolyPhen-2: "Probably Damaging"; Align-GVGD: "Class C15"). This variant has not been reported in the literature in individuals with APC-related conditions. This variant is not present in population databases (ExAC no frequency). This sequence change replaces serine with cysteine at codon 2398 of the APC protein (p.Ser2398Cys). The serine residue is highly conserved and there is a moderate physicochemical difference between serine and cysteine.